The following is an entry in ClinVar:

ClinVar aggregate classification (germline): Uncertain significance. Review status: criteria provided, multiple submitters, no conflicts (2 of 4 stars). 2 submissions from 2 submitters: Uncertain significance (2). Last evaluated 2023-11-27.

Conditions:
Myopathy, centronuclear, 5 (CNM5). Identifiers: Orphanet 169186, MedGen C4014814, MONDO:0014418, OMIM 615959.

Allele frequency attached by ClinVar (database versions not stated): gnomAD 0.00001; gnomAD exomes 0.00001 and 0.00002; TOPMed 0.00002.
gnomAD v4.1: 31 of 1,525,638 alleles (0.002%); highest among the groups gnomAD compares: Non-Finnish European, 0.0024%; no homozygotes.

Submissions (2):

Labcorp Genetics (formerly Invitae), Labcorp
Classification: Uncertain significance. Last evaluated: 2023-11-27. Review status: criteria provided, single submitter. Criteria: Invitae Variant Classification Sherloc (09022015). Collection method: clinical testing. Allele origin: germline.
Comment: This sequence change replaces serine, which is neutral and polar, with leucine, which is neutral and non-polar, at codon 2481 of the SPEG protein (p.Ser2481Leu). The frequency data for this variant in the population databases is considered unreliable, as metrics indicate poor data quality at this position in the gnomAD database. This variant has not been reported in the literature in individuals affected with SPEG-related conditions. ClinVar contains an entry for this variant (Variation ID: 1393960). An algorithm developed to predict the effect of missense changes on protein structure and function (PolyPhen-2) suggests that this variant is likely to be disruptive. In summary, the available evidence is currently insufficient to determine the role of this variant in disease. Therefore, it has been classified as a Variant of Uncertain Significance.

Revvity Omics, Revvity
Classification: Uncertain significance for Myopathy, centronuclear, 5. Last evaluated: 2023-02-17. Review status: criteria provided, single submitter. Criteria: ACMG Guidelines, 2015. Collection method: clinical testing. Allele origin: germline.

NM_005876.5(SPEG):c.7442C>T (p.Ser2481Leu)

Genes: ASIC4-AS1 (ASIC4 antisense RNA 1; minus strand), SPEG (striated muscle enriched protein kinase; plus strand). Cytogenetic location: 2q35.
Variant type: single nucleotide variant.
Coding change: c.7442C>T on transcript NM_005876.5 (MANE Select); coding-DNA position 7442, C replaced by T.
Protein change: p.Ser2481Leu; replaces serine 2481 with leucine.
Molecular consequence: missense variant.
Genome position (GRCh38, 1-based): chr2:219,484,905, C>T. VCF-style: chr2-219484905-C-T. GRCh37 (hg19) VCF-style: chr2-220349627-C-T.
Other names: short protein forms S2481L.
Identifiers: ClinVar variation 1393960 (VCV001393960.6), dbSNP rs1343314943, ClinGen allele CA350702536.